The following is an entry in ClinVar:

NM_016222.4(DDX41):c.87C>G (p.Asp29Glu)

Gene: DDX41 (DEAD-box helicase 41; minus strand). Cytogenetic location: 5q35.3.
Variant type: single nucleotide variant.
Coding change: c.87C>G on transcript NM_016222.4 (MANE Select); coding-DNA position 87, C replaced by G.
Protein change: p.Asp29Glu; replaces aspartic acid 29 with glutamic acid.
Molecular consequence: missense variant. On other transcripts: 5 prime UTR variant (2).
Genome position (GRCh38, 1-based): chr5:177,516,776, G>C on the plus strand (C>G on the coding strand, the complement: DDX41 is on the minus strand). VCF-style: chr5-177516776-G-C. GRCh37 (hg19) VCF-style: chr5-176943777-G-C.
Other names: c.-569C>G (NM_001321732.2); c.-361C>G (NM_001321830.2); short protein forms D29E.
Identifiers: ClinVar variation 5035168 (VCV005035168.1).

ClinVar aggregate classification (germline): Uncertain significance (1 of 4 stars; one submission).

Conditions:
Inborn genetic diseases. Identifiers: MedGen C0950123, MeSH D030342.

gnomAD v4.1: 1 of 1,612,252 alleles (0.000062%); highest among the groups gnomAD compares: Non-Finnish European, 0.000085%; no homozygotes.

Submission:

Ambry Genetics
Classification: Uncertain significance for Inborn genetic diseases. Last evaluated: 2026-08-10. Review status: criteria provided, single submitter. Criteria: Ambry Variant Classification Scheme 2023. Collection method: clinical testing. Allele origin: germline.
Comment: The p.D29E variant (also known as c.87C>G), located in coding exon 2 of the DDX41 gene, results from a C to G substitution at nucleotide position 87. The aspartic acid at codon 29 is replaced by glutamic acid, an amino acid with highly similar properties. This amino acid position is conserved. In addition, this alteration is predicted to be tolerated by in silico analysis. Based on the available evidence, the clinical significance of this variant remains unclear.